The following is an entry in ClinVar:

NM_000543.4(SMPD1):c.[1343A>G];[1426C>T]

Variant type: CompoundHeterozygote.
Identifiers: ClinVar variation 424752 (VCV000424752.3).

ClinVar aggregate classification (germline): Pathogenic (0 of 4 stars; one submission).

Conditions:
Niemann-Pick disease, type B. Also called: Chronic Visceral ASMD (Niemann-Pick Disease Type B; NPD-B). Identifiers: Orphanet 77293, MedGen C0268243, MONDO:0011871, OMIM 607616. Disease mechanism: loss of function.

Submission:

Laboratorio de Medicina Genomica, Hospital General de Culiacan
Classification: Pathogenic for Niemann-Pick Disease, Type B. Last evaluated: 2015-02-28. Review status: no assertion criteria provided. Collection method: clinical testing. Allele origin: germline. Affected: yes. Observed: 1 variant allele. Study: NIEMANN PICK TYPE B DISEASE.

Literature cited by the submitters: PubMed 29485843.